The following is an entry in ClinVar:

NM_015338.6(ASXL1):c.2230G>C (p.Gly744Arg)

Gene: ASXL1 (ASXL transcriptional regulator 1; plus strand). Cytogenetic location: 20q11.21.
Variant type: single nucleotide variant.
Coding change: c.2230G>C on transcript NM_015338.6 (MANE Select); coding-DNA position 2230, G replaced by C.
Protein change: p.Gly744Arg; replaces glycine 744 with arginine.
Molecular consequence: missense variant.
Genome position (GRCh38, 1-based): chr20:32,434,942, G>C. VCF-style: chr20-32434942-G-C. GRCh37 (hg19) VCF-style: chr20-31022745-G-C.
Other names: c.2047G>C, p.Gly683Arg (NM_001363734.1); short protein forms G744R, G683R.
Identifiers: ClinVar variation 3727612 (VCV003727612.2).

ClinVar aggregate classification (germline): Uncertain significance (1 of 4 stars; one submission).

Submission:

Labcorp Genetics (formerly Invitae), Labcorp
Classification: Uncertain significance. Last evaluated: 2024-12-19. Review status: criteria provided, single submitter. Criteria: Invitae Variant Classification Sherloc (09022015). Collection method: clinical testing. Allele origin: germline.
Comment: This sequence change replaces glycine, which is neutral and non-polar, with arginine, which is basic and polar, at codon 744 of the ASXL1 protein (p.Gly744Arg). This variant is not present in population databases (gnomAD no frequency). This variant has not been reported in the literature in individuals affected with ASXL1-related conditions. An algorithm developed to predict the effect of missense changes on protein structure and function (PolyPhen-2) suggests that this variant is likely to be tolerated. In summary, the available evidence is currently insufficient to determine the role of this variant in disease. Therefore, it has been classified as a Variant of Uncertain Significance.